The following is an entry in ClinVar:

NM_004725.4(BUB3):c.165C>G (p.His55Gln)

Gene: BUB3 (BUB3 mitotic checkpoint protein; plus strand). Cytogenetic location: 10q26.13.
Variant type: single nucleotide variant.
Coding change: c.165C>G on transcript NM_004725.4 (MANE Select); coding-DNA position 165, C replaced by G.
Protein change: p.His55Gln; replaces histidine 55 with glutamine.
Molecular consequence: missense variant.
Genome position (GRCh38, 1-based): chr10:123,155,082, C>G. VCF-style: chr10-123155082-C-G. GRCh37 (hg19) VCF-style: chr10-124914598-C-G.
Other names: c.165C>G, p.His55Gln (NM_001007793.3); short protein forms H55Q.
Identifiers: ClinVar variation 3262303 (VCV003262303.1).
Genomic context (GRCh38, chr10:123,155,082, plus strand): 5'-GGACACGTCCGTGCGTCTCTACGATGTGCCGGCCAACTCCATGCGGCTCAAGTACCAGCA[C>G]ACCGGCGCCGTCCTGGACTGCGCCTTCTACGTAGGTGCCCTCCCGCCCTGCTCCTGCCCT-3'
Protein context (NP_004716.1, residues 45-65): PANSMRLKYQ[His55Gln]TGAVLDCAFY

ClinVar aggregate classification (germline): Uncertain significance (1 of 4 stars; one submission).

Submission:

Ambry Genetics
Classification: Uncertain significance. Last evaluated: 2024-04-16. Review status: criteria provided, single submitter. Criteria: Ambry Variant Classification Scheme 2023. Collection method: clinical testing. Allele origin: germline.
Comment: The p.H55Q variant (also known as c.165C>G), located in coding exon 1 of the BUB3 gene, results from a C to G substitution at nucleotide position 165. The histidine at codon 55 is replaced by glutamine, an amino acid with highly similar properties. This amino acid position is conserved. In addition, this alteration is predicted to be deleterious by in silico analysis. Based on the available evidence, the clinical significance of this variant remains unclear.